The following is an entry in ClinVar:

NM_004380.3(CREBBP):c.6673A>G (p.Met2225Val)

Gene: CREBBP (CREB binding lysine acetyltransferase; minus strand). Cytogenetic location: 16p13.3.
Variant type: single nucleotide variant.
Coding change: c.6673A>G on transcript NM_004380.3 (MANE Select); coding-DNA position 6673, A replaced by G.
Protein change: p.Met2225Val; replaces methionine 2225 with valine.
Molecular consequence: missense variant.
Genome position (GRCh38, 1-based): chr16:3,728,374, T>C on the plus strand (A>G on the coding strand, the complement: CREBBP is on the minus strand). VCF-style: chr16-3728374-T-C. GRCh37 (hg19) VCF-style: chr16-3778375-T-C.
Other names: c.6559A>G, p.Met2187Val (NM_001079846.1); c.6673A>G (NM_004380.2); short protein forms M2187V, M2225V.
Identifiers: ClinVar variation 2130633 (VCV002130633.6), dbSNP rs2151302343, ClinGen allele CA394552186.

ClinVar aggregate classification (germline): Uncertain significance. Review status: criteria provided, multiple submitters, no conflicts (2 of 4 stars). 3 submissions from 3 submitters: Uncertain significance (2). 1 of the submissions does not count toward it. Last evaluated 2025-10-17.

Conditions:
Rubinstein-Taybi syndrome (RSTS). Identifiers: Orphanet 783, MedGen C0035934, MONDO:0019188.
Rubinstein-Taybi syndrome due to CREBBP mutations (RSTS1). Also called: RUBINSTEIN SYNDROME; Rubinstein-Taybi syndrome 1; BROAD THUMBS AND GREAT TOES, CHARACTERISTIC FACIES, AND IMPAIRED INTELLECTUAL DEVELOPMENT; RUBINSTEIN-TAYBI SYNDROME 1, INCOMPLETE; BROAD THUMB-HALLUX SYNDROME; CREBBP-Related Rubinstein-Taybi Syndrome. Identifiers: Orphanet 353277, Orphanet 783, MedGen C4551859, MONDO:0008393, OMIM 180849.
Menke-Hennekam syndrome 1 (MKHK1). Identifiers: MedGen C5193034, MONDO:0020763, OMIM 618332.
CREBBP-related disorder. Also called: CREBBP-related condition; CREBBP-related disorders.

Allele frequency attached by ClinVar (database versions not stated): gnomAD exomes 0.00001.
gnomAD v4.1: 8 of 1,613,256 alleles (0.0005%); highest among the groups gnomAD compares: Middle Eastern, 0.017%; no homozygotes.

Submissions (3):

Labcorp Genetics (formerly Invitae), Labcorp
Classification: Uncertain significance for Rubinstein-Taybi syndrome. Last evaluated: 2025-10-17. Review status: criteria provided, single submitter. Criteria: Invitae Variant Classification Sherloc (09022015). Collection method: clinical testing. Allele origin: germline.
Comment: This sequence change replaces methionine, which is neutral and non-polar, with valine, which is neutral and non-polar, at codon 2225 of the CREBBP protein (p.Met2225Val). This variant is not present in population databases (gnomAD no frequency). This variant has not been reported in the literature in individuals affected with CREBBP-related conditions. ClinVar contains an entry for this variant (Variation ID: 2130633). Invitae Evidence Modeling of protein sequence and biophysical properties (such as structural, functional, and spatial information, amino acid conservation, physicochemical variation, residue mobility, and thermodynamic stability) indicates that this missense variant is not expected to disrupt CREBBP protein function with a negative predictive value of 95%. In summary, the available evidence is currently insufficient to determine the role of this variant in disease. Therefore, it has been classified as a Variant of Uncertain Significance.

Fulgent Genetics
Classification: Uncertain significance for Rubinstein-Taybi syndrome due to CREBBP mutations; Menke-Hennekam syndrome 1. Last evaluated: 2024-02-12. Review status: criteria provided, single submitter. Criteria: ACMG Guidelines, 2015. Collection method: clinical testing. Allele origin: germline.

PreventionGenetics, part of Exact Sciences
Classification: Uncertain significance for CREBBP-related condition. Last evaluated: 2024-08-22. Review status: no assertion criteria provided. Collection method: clinical testing. Allele origin: germline. Not counted in ClinVar's aggregate classification.
Comment: The CREBBP c.6673A>G variant is predicted to result in the amino acid substitution p.Met2225Val. To our knowledge, this variant has not been reported in the literature or in a large population database, indicating this variant is rare. At this time, the clinical significance of this variant is uncertain due to the absence of conclusive functional and genetic evidence.